The following is an entry in ClinVar:

NM_001267550.2(TTN):c.59740G>A (p.Val19914Ile)

Genes: TTN (titin; minus strand), TTN-AS1 (TTN antisense RNA 1; plus strand), LOC126806424 (CDK7 strongly-dependent group 2 enhancer GRCh37_chr2:179456337-179457536; plus strand). Cytogenetic location: 2q31.2.
Variant type: single nucleotide variant.
Coding change: c.59740G>A on transcript NM_001267550.2 (MANE Select); coding-DNA position 59740, G replaced by A.
Protein change: p.Val19914Ile; replaces valine 19914 with isoleucine.
Molecular consequence: missense variant.
Genome position (GRCh38, 1-based): chr2:178,592,164, C>T on the plus strand (G>A on the coding strand, the complement: TTN is on the minus strand). VCF-style: chr2-178592164-C-T. GRCh37 (hg19) VCF-style: chr2-179456891-C-T.
Other names: c.54817G>A, p.Val18273Ile (NM_001256850.1); c.32545G>A, p.Val10849Ile (NM_003319.4); c.52036G>A, p.Val17346Ile (NM_133378.4); c.32920G>A, p.Val10974Ile (NM_133432.3); c.33121G>A, p.Val11041Ile (NM_133437.4); short protein forms V10849I, V19914I, V10974I, V11041I, V17346I, V18273I.
Identifiers: ClinVar variation 1729445 (VCV001729445.4), dbSNP rs1663045607, ClinGen allele CA349490825.

ClinVar aggregate classification (germline): Uncertain significance. Review status: criteria provided, multiple submitters, no conflicts (2 of 4 stars). 3 submissions from 3 submitters: Uncertain significance (3). Last evaluated 2025-05-20.

Conditions:
Cardiovascular phenotype. Identifiers: MedGen CN230736.

Allele frequency attached by ClinVar (database versions not stated): gnomAD exomes below 0.00001; TOPMed 0.00001; gnomAD 0.00003.
gnomAD v4.1: 7 of 1,612,762 alleles (0.00043%); highest among the groups gnomAD compares: African/African-American, 0.0067%; no homozygotes.

Submissions (3):

GeneDx
Classification: Uncertain significance. Last evaluated: 2025-05-20. Review status: criteria provided, single submitter. Criteria: GeneDx Variant Classification Process June 2021. Collection method: clinical testing. Allele origin: germline. Affected: yes.
Comment: Not observed at significant frequency in large population cohorts (gnomAD); Missense variant in a gene in which most reported pathogenic variants are truncating/loss of function; Has not been previously published as pathogenic or benign to our knowledge

Revvity Omics, Revvity
Classification: Uncertain significance. Last evaluated: 2025-02-05. Review status: criteria provided, single submitter. Criteria: ACMG Guidelines, 2015. Collection method: clinical testing. Allele origin: germline.

Ambry Genetics
Classification: Uncertain significance for Cardiovascular phenotype. Last evaluated: 2019-04-12. Review status: criteria provided, single submitter. Criteria: Ambry Variant Classification Scheme 2023. Collection method: clinical testing. Allele origin: germline.
Comment: The p.V10849I variant (also known as c.32545G>A), located in coding exon 129 of the TTN gene, results from a G to A substitution at nucleotide position 32545. The valine at codon 10849 is replaced by isoleucine, an amino acid with highly similar properties. This amino acid position is well conserved in available vertebrate species. In addition, this alteration is predicted to be benign and unknown by PolyPhen and SIFT in silico analyses, respectively. Since supporting evidence is limited at this time, the clinical significance of this alteration remains unclear.